The following is an entry in ClinVar:

ClinVar aggregate classification (germline): Uncertain significance. Review status: criteria provided, multiple submitters, no conflicts (2 of 4 stars). 2 submissions from 2 submitters: Uncertain significance (2). Last evaluated 2026-05-19.

Conditions:
Inborn genetic diseases. Identifiers: MedGen C0950123, MeSH D030342.
Familial focal epilepsy with variable foci (FPEVF). Identifiers: Orphanet 98820, MedGen C1858477, MONDO:0020310.

Allele frequency attached by ClinVar (database versions not stated): gnomAD exomes below 0.00001.
gnomAD v4.1: 1 of 1,614,050 alleles (0.000062%); highest among the groups gnomAD compares: Non-Finnish European, 0.000085%; no homozygotes.

Submissions (2):

Ambry Genetics
Classification: Uncertain significance for Inborn genetic diseases. Last evaluated: 2026-05-19. Review status: criteria provided, single submitter. Criteria: Ambry Variant Classification Scheme 2023. Collection method: clinical testing. Allele origin: germline.

Labcorp Genetics (formerly Invitae), Labcorp
Classification: Uncertain significance for Familial focal epilepsy with variable foci. Last evaluated: 2020-07-14. Review status: criteria provided, single submitter. Criteria: Invitae Variant Classification Sherloc (09022015). Collection method: clinical testing. Allele origin: germline.
Comment: In summary, the available evidence is currently insufficient to determine the role of this variant in disease. Therefore, it has been classified as a Variant of Uncertain Significance. Algorithms developed to predict the effect of missense changes on protein structure and function are either unavailable or do not agree on the potential impact of this missense change (SIFT: "Deleterious"; PolyPhen-2: "Not Available"; Align-GVGD: "Class C15"). This variant has not been reported in the literature in individuals with DEPDC5-related conditions. This variant is not present in population databases (ExAC no frequency). This sequence change replaces glutamic acid with lysine at codon 1237 of the DEPDC5 protein (p.Glu1237Lys). The glutamic acid residue is highly conserved and there is a small physicochemical difference between glutamic acid and lysine.

NM_001242896.3(DEPDC5):c.3709G>A (p.Glu1237Lys)

Gene: DEPDC5 (DEP domain containing 5, GATOR1 subcomplex subunit; plus strand). Cytogenetic location: 22q12.3.
Variant type: single nucleotide variant.
Coding change: c.3709G>A on transcript NM_001242896.3 (MANE Select); coding-DNA position 3709, G replaced by A.
Protein change: p.Glu1237Lys; replaces glutamic acid 1237 with lysine.
Molecular consequence: missense variant. On other transcripts: non-coding transcript variant (2).
Genome position (GRCh38, 1-based): chr22:31,876,169, G>A. VCF-style: chr22-31876169-G-A. GRCh37 (hg19) VCF-style: chr22-32272155-G-A.
Other names: c.3682G>A, p.Glu1228Lys (NM_001136029.4); c.3409G>A, p.Glu1137Lys (NM_001242897.2); c.3643G>A, p.Glu1215Lys (NM_001363852.2, NM_001364320.2); c.3475G>A, p.Glu1159Lys (NM_001363854.2, NM_001364319.2); c.3709G>A, p.Glu1237Lys (NM_001364318.2); c.3625G>A, p.Glu1209Lys (NM_001369901.1, NM_001369902.1); c.3616G>A, p.Glu1206Lys (NM_001369903.1, NM_014662.6); c.3709G>A (NM_001242896.1); short protein forms E1137K, E1159K, E1206K, E1209K, E1215K, E1228K, E1237K.
Identifiers: ClinVar variation 1016451 (VCV001016451.9), dbSNP rs2092986144, ClinGen allele CA411279339.